The following is an entry in ClinVar:

ClinVar aggregate classification (germline): Uncertain significance. Review status: criteria provided, multiple submitters, no conflicts (2 of 4 stars). 3 submissions from 3 submitters: Uncertain significance (3). Last evaluated 2025-12-15.

Conditions:
Cardiovascular phenotype. Identifiers: MedGen CN230736.
RASopathy. Also called: rasopathies; Noonan spectrum disorder. Identifiers: Orphanet 536391, MedGen C5555857, MONDO:0021060.
PTPN11-related disorder. Also called: PTPN11-Related Disorders.

Submissions (3):

Labcorp Genetics (formerly Invitae), Labcorp
Classification: Uncertain significance for RASopathy. Last evaluated: 2025-12-15. Review status: criteria provided, single submitter. Criteria: Invitae Variant Classification Sherloc (09022015). Collection method: clinical testing. Allele origin: germline.
Comment: This sequence change replaces glutamic acid, which is acidic and polar, with valine, which is neutral and non-polar, at codon 185 of the PTPN11 protein (p.Glu185Val). This variant is not present in population databases (gnomAD no frequency). This variant has not been reported in the literature in individuals affected with PTPN11-related conditions. ClinVar contains an entry for this variant (Variation ID: 2003804). Invitae Evidence Modeling of protein sequence and biophysical properties (such as structural, functional, and spatial information, amino acid conservation, physicochemical variation, residue mobility, and thermodynamic stability) has been performed for this missense variant. However, the output from this modeling did not meet the statistical confidence thresholds required to predict the impact of this variant on PTPN11 protein function. In summary, the available evidence is currently insufficient to determine the role of this variant in disease. Therefore, it has been classified as a Variant of Uncertain Significance.

Ambry Genetics
Classification: Uncertain significance for Cardiovascular phenotype. Last evaluated: 2025-08-24. Review status: criteria provided, single submitter. Criteria: Ambry Variant Classification Scheme 2023. Collection method: clinical testing. Allele origin: germline.
Comment: The p.E185V variant (also known as c.554A>T), located in coding exon 5 of the PTPN11 gene, results from an A to T substitution at nucleotide position 554. The glutamic acid at codon 185 is replaced by valine, an amino acid with dissimilar properties. This amino acid position is conserved. In addition, this alteration is predicted to be deleterious by in silico analysis. Based on the available evidence, the clinical significance of this variant remains unclear.

PreventionGenetics, part of Exact Sciences
Classification: Uncertain significance for PTPN11-related condition. Last evaluated: 2025-04-24. Review status: criteria provided, single submitter. Criteria: ACMG Guidelines, 2015. Collection method: clinical testing. Allele origin: germline.
Comment: The PTPN11 c.554A>T variant is predicted to result in the amino acid substitution p.Glu185Val. To our knowledge, this variant has not been reported in the literature or in a large population database (gnomAD), indicating this variant is rare. At this time, the clinical significance of this variant is uncertain due to the absence of conclusive functional and genetic evidence.

NM_002834.5(PTPN11):c.554A>T (p.Glu185Val)

Gene: PTPN11 (protein tyrosine phosphatase non-receptor type 11; plus strand). Cytogenetic location: 12q24.13.
Variant type: single nucleotide variant.
Coding change: c.554A>T on transcript NM_002834.5 (MANE Select); coding-DNA position 554, A replaced by T.
Protein change: p.Glu185Val; replaces glutamic acid 185 with valine.
Molecular consequence: missense variant.
Genome position (GRCh38, 1-based): chr12:112,454,592, A>T. VCF-style: chr12-112454592-A-T. GRCh37 (hg19) VCF-style: chr12-112892396-A-T.
Other names: c.554A>T, p.Glu185Val (NM_001330437.2, NM_080601.3); c.551A>T, p.Glu184Val (NM_001374625.1); c.554A>T (NM_002834.4); short protein forms E184V, E185V.
Identifiers: ClinVar variation 2003804 (VCV002003804.6), dbSNP rs2135869432, ClinGen allele CA386782305.
Genomic context (GRCh38, chr12:112,454,592, plus strand): 5'-AAATAATAAATGTCATGTGTTTATCTTGAAAGGAACTGAAATACGACGTTGGTGGAGGAG[A>T]ACGGTTTGATTCTTTGACAGATCTTGTGGAACATTATAAGAAGAATCCTATGGTGGAAAC-3'
Protein context (NP_002825.3, residues 175-195): QELKYDVGGG[Glu185Val]RFDSLTDLVE